The following is an entry in ClinVar:

ClinVar aggregate classification (germline): Uncertain significance. Review status: criteria provided, multiple submitters, no conflicts (2 of 4 stars). 2 submissions from 2 submitters: Uncertain significance (2). Last evaluated 2022-08-01.

Conditions:
Wolfram syndrome 2 (WFS2). Identifiers: Orphanet 3463, MedGen C1858028, MONDO:0011502, OMIM 604928.

Allele frequency attached by ClinVar (database versions not stated): TOPMed 0.00002; gnomAD 0.00001; gnomAD exomes 0.00001 and 0.00003.
gnomAD v4.1: 40 of 1,613,688 alleles (0.0025%); highest among the groups gnomAD compares: Non-Finnish European, 0.0032%; no homozygotes.

Submissions (2):

Labcorp Genetics (formerly Invitae), Labcorp
Classification: Uncertain significance. Last evaluated: 2022-08-01. Review status: criteria provided, single submitter. Criteria: Invitae Variant Classification Sherloc (09022015). Collection method: clinical testing. Allele origin: germline.
Comment: This sequence change replaces proline, which is neutral and non-polar, with leucine, which is neutral and non-polar, at codon 80 of the CISD2 protein (p.Pro80Leu). This variant is present in population databases (no rsID available, gnomAD 0.002%). This variant has not been reported in the literature in individuals affected with CISD2-related conditions. ClinVar contains an entry for this variant (Variation ID: 1448359). Algorithms developed to predict the effect of missense changes on protein structure and function are either unavailable or do not agree on the potential impact of this missense change (SIFT: "Deleterious"; PolyPhen-2: "Probably Damaging"; Align-GVGD: "Class C15"). In summary, the available evidence is currently insufficient to determine the role of this variant in disease. Therefore, it has been classified as a Variant of Uncertain Significance.

Fulgent Genetics
Classification: Uncertain significance for Wolfram syndrome 2. Last evaluated: 2021-10-18. Review status: criteria provided, single submitter. Criteria: ACMG Guidelines, 2015. Collection method: clinical testing. Allele origin: unknown.

NM_001008388.5(CISD2):c.239C>T (p.Pro80Leu)

Genes: CISD2 (CDGSH iron sulfur domain 2; plus strand), SLC9B1 (solute carrier family 9 member B1; minus strand). Cytogenetic location: 4q24.
Variant type: single nucleotide variant.
Coding change: c.239C>T on transcript NM_001008388.5 (MANE Select); coding-DNA position 239, C replaced by T.
Protein change: p.Pro80Leu; replaces proline 80 with leucine.
Molecular consequence: missense variant. On other transcripts: intron variant (1).
Genome position (GRCh38, 1-based): chr4:102,885,351, C>T. VCF-style: chr4-102885351-C-T. GRCh37 (hg19) VCF-style: chr4-103806508-C-T.
Other names: c.1333-23G>A (NM_001100874.3); short protein forms P80L.
Identifiers: ClinVar variation 1448359 (VCV001448359.5), dbSNP rs868634687, ClinGen allele CA102700375.
Genomic context (GRCh38, chr4:102,885,351, plus strand): 5'-TCCCGAAGAAGAAACAACAGAAGGATAGCTTGATTAATCTTAAAATACAAAAGGAAAATC[C>T]GAAAGTAGTGAATGAAATAAACATTGAAGATTTGTGTCTTACTAAAGCAGCTTATTGTAG-3'
Protein context (NP_001008389.1, residues 70-90): LINLKIQKEN[Pro80Leu]KVVNEINIED